The following is an entry in ClinVar:

ClinVar aggregate classification (germline): Conflicting classifications of pathogenicity. Review status: criteria provided, conflicting classifications (1 of 4 stars). 2 submissions from 2 submitters: Likely pathogenic (1); Uncertain significance (1). Last evaluated 2020-09-20.

Conditions:
Combined oxidative phosphorylation defect type 27. Also called: Combined oxidative phosphorylation deficiency 27. Identifiers: Orphanet 477774, MedGen C5567608, MONDO:0014728, OMIM 616672.

Submissions (2):

Labcorp Genetics (formerly Invitae), Labcorp
Classification: Uncertain significance for Combined oxidative phosphorylation defect type 27. Last evaluated: 2020-09-20. Review status: criteria provided, single submitter. Criteria: Invitae Variant Classification Sherloc (09022015). Collection method: clinical testing. Allele origin: germline.
Comment: This sequence change creates a premature translational stop signal (p.Pro13Argfs*53) in the CARS2 gene. It is expected to result in an absent or disrupted protein product. The frequency data for this variant in the population databases is considered unreliable, as metrics indicate insufficient coverage at this position in the ExAC database. This variant has not been reported in the literature in individuals with CARS2-related conditions. ClinVar contains an entry for this variant (Variation ID: 817082). The current clinical and genetic evidence is not sufficient to establish whether loss-of-function variants in CARS2 cause disease. In summary, the available evidence is currently insufficient to determine the role of this variant in disease. Therefore, it has been classified as a Variant of Uncertain Significance.

GeneDx
Classification: Likely pathogenic. Last evaluated: 2018-05-14. Review status: criteria provided, single submitter. Criteria: GeneDx Variant Classification (06012015). Collection method: clinical testing. Allele origin: germline. Affected: yes.
Comment: The c.38delC variant in the CARS2 gene causes a frameshift starting with codon Proline 13, changes this amino acid to an Arginine residue and creates a premature Stop codon at position 53 of the new reading frame, denoted p.Pro13ArgfsX53. This variant is predicted to cause loss of normal protein function either through protein truncation or nonsense-mediated mRNA decay. The c.38delC variant is not observed in large population cohorts (Lek et al., 2016). Although this variant has not been previously reported to our knowledge, it is likely a pathogenic variant.

NM_024537.4(CARS2):c.38del (p.Pro13fs)

Genes: CARS2 (cysteinyl-tRNA synthetase 2, mitochondrial; minus strand), LOC130010127 (ATAC-STARR-seq lymphoblastoid silent region 5509; plus strand). Cytogenetic location: 13q34.
Variant type: Deletion.
Coding change: c.38del on transcript NM_024537.4 (MANE Select); coding-DNA position 38, one base deleted (C; older notation c.38delC).
Protein change: p.Pro13fs; shifts the reading frame from proline 13.
Molecular consequence: frameshift variant. On other transcripts: non-coding transcript variant (1), intron variant (1).
Genome position (GRCh38, 1-based): chr13:110,706,056, G deleted on the plus strand (C on the coding strand, the reverse complement: CARS2 is on the minus strand); the first of 6 consecutive G bases (chr13:110,706,056-110,706,061); deleting any one gives the same sequence. VCF-style (leftmost placement, unchanged base first): chr13-110706055-CG-C. GRCh37 (hg19) VCF-style: chr13-111358402-CG-C.
Other names: c.38del, p.Pro13fs (NM_001352253.3); c.-776+315del (NM_001352252.2); short protein forms P13fs.
Identifiers: ClinVar variation 817082 (VCV000817082.3), dbSNP rs1412483498, ClinGen allele CA612867073.